The following is an entry in ClinVar:

ClinVar aggregate classification (germline): Conflicting classifications of pathogenicity. Review status: criteria provided, conflicting classifications (1 of 4 stars). 8 submissions from 8 submitters: Uncertain significance (4); Likely benign (4). Last evaluated 2026-05-26.

Conditions:
MSH3-related disorder. Also called: MSH3-related condition.
Familial adenomatous polyposis 4 (FAP4). Also called: MSH3-related attenuated familial adenomatous polyposis. Identifiers: Orphanet 480536, MedGen C4310719, MONDO:0044300, OMIM 617100.
Hereditary cancer-predisposing syndrome. Also called: Hereditary Cancer Syndrome; Tumor predisposition; Hereditary neoplastic syndrome; Neoplastic Syndromes, Hereditary. Identifiers: Orphanet 140162, MedGen C0027672, MeSH D009386, MONDO:0015356.

Allele frequency attached by ClinVar (database versions not stated): gnomAD exomes 0.00007 and 0.00021; gnomAD 0.00012 and 0.00014; TOPMed 0.00015; ExAC 0.00025.
gnomAD v4.1: 130 of 1,613,812 alleles (0.0081%); highest among the groups gnomAD compares: East Asian, 0.23%; no homozygotes.

Submissions (8):

PreventionGenetics, part of Exact Sciences
Classification: Likely benign for MSH3-related condition. Last evaluated: 2026-05-26. Review status: criteria provided, single submitter. Criteria: ACMG Guidelines, 2015. Collection method: clinical testing. Allele origin: germline.
Comment: This variant is classified as likely benign based on ACMG/AMP sequence variant interpretation guidelines (Richards et al. 2015 PMID: 25741868, with internal and published modifications).

Labcorp Genetics (formerly Invitae), Labcorp
Classification: Likely benign. Last evaluated: 2026-01-27. Review status: criteria provided, single submitter. Criteria: Invitae Variant Classification Sherloc (09022015). Collection method: clinical testing. Allele origin: germline.

GeneDx
Classification: Uncertain significance. Last evaluated: 2024-12-16. Review status: criteria provided, single submitter. Criteria: GeneDx Variant Classification Process June 2021. Collection method: clinical testing. Allele origin: germline. Affected: yes.
Comment: In silico analysis supports that this missense variant has a deleterious effect on protein structure/function; This variant is associated with the following publications: (PMID: 28211887, 23960188, 32091409, 38457665)

Quest Diagnostics Nichols Institute San Juan Capistrano
Classification: Likely benign. Last evaluated: 2023-06-26. Review status: criteria provided, single submitter. Criteria: Quest Diagnostics criteria. Collection method: clinical testing. Allele origin: unknown.

St. Jude Molecular Pathology, St. Jude Children's Research Hospital
Classification: Uncertain significance for Familial adenomatous polyposis 4. Last evaluated: 2022-12-06. Review status: criteria provided, single submitter. Criteria: St. Jude Assertion Criteria 2020. Collection method: clinical testing. Allele origin: germline.
Comment: The MSH3 c.3181A>G (p.Arg1061Gly) missense change has a maximum subpopulation frequency of 0.31% in gnomAD v2.1.1. The in silico tool REVEL is inconclusive about a pathogenic or benign effect of this variant on protein function, and to our knowledge functional studies have not been performed. To our knowledge, this variant has not been reported in individuals with MSH3-related attenuated familial adenomatous polyposis. In summary, the evidence currently available is insufficient to determine the clinical significance of this variant. It has therefore been classified as of uncertain significance.

Sema4
Classification: Uncertain significance for Hereditary cancer-predisposing syndrome. Last evaluated: 2022-01-25. Review status: criteria provided, single submitter. Criteria: Sema4 Curation Guidelines. Collection method: curation. Allele origin: germline.
Comment: The MSH3 c.3181A>G (p.R1061G) variant has been reported in 2 individuals with diffuse large B-cell lymphoma (PMID 23960188). It was observed in 61/19942 chromosomes of the East Asian population according to the Genome Aggregation Database (PMID: 32461654). This variant has been reported in ClinVar (Variation ID 758451). Functional studies have not been performed, and in silico predictions of the variant's effect on protein function are inconclusive. The overall evidence is inconsistent with ACMG/AMP requirements for a classification of benign or pathogenic. In summary, the clinical significance of this variant is currently uncertain.

Ambry Genetics
Classification: Likely benign for Hereditary cancer-predisposing syndrome. Last evaluated: 2021-05-10. Review status: criteria provided, single submitter. Criteria: Ambry Variant Classification Scheme 2023. Collection method: clinical testing. Allele origin: germline.

CeGaT Center for Human Genetics Tuebingen
Classification: Uncertain significance. Last evaluated: 2019-11-01. Review status: criteria provided, single submitter. Criteria: CeGaT Center For Human Genetics Tuebingen Variant Classification Criteria Version 2. Collection method: clinical testing. Allele origin: germline. Affected: yes. Observed: 2 variant alleles.

Literature cited by the submitters: PubMed 23960188 (cited by 3 submitters); PubMed 28211887 (cited by Quest Diagnostics Nichols Institute San Juan Capistrano and Ambry Genetics).

NM_002439.5(MSH3):c.3181A>G (p.Arg1061Gly)

Gene: MSH3 (mutS homolog 3; plus strand). Cytogenetic location: 5q14.1.
Variant type: single nucleotide variant.
Coding change: c.3181A>G on transcript NM_002439.5 (MANE Select); coding-DNA position 3181, A replaced by G.
Protein change: p.Arg1061Gly; replaces arginine 1061 with glycine.
Molecular consequence: missense variant.
Genome position (GRCh38, 1-based): chr5:80,873,166, A>G. VCF-style: chr5-80873166-A-G. GRCh37 (hg19) VCF-style: chr5-80168985-A-G.
Other names: short protein forms R1061G.
Identifiers: ClinVar variation 758451 (VCV000758451.60), dbSNP rs746782115, ClinGen allele CA3328477.